The following is an entry in ClinVar:

NM_002439.5(MSH3):c.431C>T (p.Ser144Phe)

Gene: MSH3 (mutS homolog 3; plus strand). Cytogenetic location: 5q14.1.
Variant type: single nucleotide variant.
Coding change: c.431C>T on transcript NM_002439.5 (MANE Select); coding-DNA position 431, C replaced by T.
Protein change: p.Ser144Phe; replaces serine 144 with phenylalanine.
Molecular consequence: missense variant.
Genome position (GRCh38, 1-based): chr5:80,665,215, C>T. VCF-style: chr5-80665215-C-T. GRCh37 (hg19) VCF-style: chr5-79961034-C-T.
Other names: short protein forms S144F.
Identifiers: ClinVar variation 649425 (VCV000649425.13), dbSNP rs966254697, ClinGen allele CA121290959.

ClinVar aggregate classification (germline): Uncertain significance. Review status: criteria provided, multiple submitters, no conflicts (2 of 4 stars). 3 submissions from 3 submitters: Uncertain significance (3). Last evaluated 2025-12-08.

Conditions:
Endometrial carcinoma. Also called: Endometrial carcinoma, somatic. Identifiers: MedGen C0476089, MONDO:0002447, OMIM 608089, HP:0012114.
Hereditary cancer-predisposing syndrome. Also called: Neoplastic Syndromes, Hereditary; Tumor predisposition; Hereditary Cancer Syndrome; Hereditary neoplastic syndrome. Identifiers: Orphanet 140162, MedGen C0027672, MeSH D009386, MONDO:0015356.

Allele frequency attached by ClinVar (database versions not stated): gnomAD exomes below 0.00001; gnomAD 0.00003; TOPMed 0.00003.
gnomAD v4.1: 9 of 1,614,020 alleles (0.00056%); highest among the groups gnomAD compares: African/African-American, 0.011%; no homozygotes.

Submissions (3):

Labcorp Genetics (formerly Invitae), Labcorp
Classification: Uncertain significance. Last evaluated: 2025-12-08. Review status: criteria provided, single submitter. Criteria: Invitae Variant Classification Sherloc (09022015). Collection method: clinical testing. Allele origin: germline.
Comment: This sequence change replaces serine, which is neutral and polar, with phenylalanine, which is neutral and non-polar, at codon 144 of the MSH3 protein (p.Ser144Phe). This variant is not present in population databases (gnomAD no frequency). This variant has not been reported in the literature in individuals affected with MSH3-related conditions. ClinVar contains an entry for this variant (Variation ID: 649425). An algorithm developed to predict the effect of missense changes on protein structure and function (PolyPhen-2) suggests that this variant is likely to be disruptive. In summary, the available evidence is currently insufficient to determine the role of this variant in disease. Therefore, it has been classified as a Variant of Uncertain Significance.

Ambry Genetics
Classification: Uncertain significance for Hereditary cancer-predisposing syndrome. Last evaluated: 2025-03-29. Review status: criteria provided, single submitter. Criteria: Ambry Variant Classification Scheme 2023. Collection method: clinical testing. Allele origin: germline.
Comment: The p.S144F variant (also known as c.431C>T), located in coding exon 3 of the MSH3 gene, results from a C to T substitution at nucleotide position 431. The serine at codon 144 is replaced by phenylalanine, an amino acid with highly dissimilar properties. This amino acid position is highly conserved in available vertebrate species. In addition, the in silico prediction for this alteration is inconclusive. Since supporting evidence is limited at this time, the clinical significance of this alteration remains unclear.

Baylor Genetics
Classification: Uncertain significance for Endometrial carcinoma. Last evaluated: 2024-02-06. Review status: criteria provided, single submitter. Criteria: ACMG Guidelines, 2015. Collection method: clinical testing. Allele origin: unknown.